The following is an entry in ClinVar:

NM_001457.4(FLNB):c.6772+5G>A

Gene: FLNB (filamin B; plus strand). Cytogenetic location: 3p14.3.
Variant type: single nucleotide variant.
Coding change: c.6772+5G>A on transcript NM_001457.4 (MANE Select); 5 bases into the intron after coding-DNA position 6772, G replaced by A.
Molecular consequence: intron variant.
Genome position (GRCh38, 1-based): chr3:58,154,933, G>A. VCF-style: chr3-58154933-G-A. GRCh37 (hg19) VCF-style: chr3-58140660-G-A.
Other names: c.6865+5G>A (NM_001164317.2); c.6739+5G>A (NM_001164318.2); c.6700+5G>A (NM_001164319.2).
Identifiers: ClinVar variation 5039708 (VCV005039708.1).

ClinVar aggregate classification (germline): Uncertain significance (1 of 4 stars; one submission).

gnomAD v4.1: 1 of 1,613,186 alleles (0.000062%); highest among the groups gnomAD compares: Non-Finnish European, 0.000085%; no homozygotes.

Submission:

CeGaT Center for Human Genetics Tuebingen
Classification: Uncertain significance. Last evaluated: 2026-07-01. Review status: criteria provided, single submitter. Criteria: CeGaT Center For Human Genetics Tuebingen Variant Classification Criteria Version 2. Collection method: clinical testing. Allele origin: germline. Affected: yes. Observed: 1 variant allele.
Comment: FLNB: PM2:Supporting, BP4